The following is an entry in ClinVar:

ClinVar aggregate classification (germline): Benign. Review status: criteria provided, multiple submitters, no conflicts (2 of 4 stars). 4 submissions from 3 submitters: Benign (4). Last evaluated 2021-07-14.

Conditions:
Spinal muscular atrophy-progressive myoclonic epilepsy syndrome. Also called: MYOCLONUS, HEREDITARY, WITH PROGRESSIVE DISTAL MUSCULAR ATROPHY; Hereditary myoclonus and progressive distal muscular atrophy; Spinal muscular atrophy with progressive myoclonic epilepsy; Spinal Muscular Atrophy with Progressive Myoclonic Epilepsy (SMA-PME). Identifiers: Orphanet 2590, MedGen C1834569, MONDO:0008045, OMIM 159950.
Farber lipogranulomatosis (FRBRL). Also called: Farber's lipogranulomatosis; AC DEFICIENCY; ACID CERAMIDASE DEFICIENCY; CERAMIDASE DEFICIENCY; N-LAURYLSPHINGOSINE DEACYLASE DEFICIENCY; Farber's disease. Identifiers: Orphanet 333, MedGen C0268255, MONDO:0009218, OMIM 228000.

Allele frequency attached by ClinVar (database versions not stated): 1000 Genomes Project 30x 0.59931; 1000 Genomes Project 0.60284; TOPMed 0.70326.
gnomAD v4.1: 756,651 of 888,750 alleles (85%); highest among the groups gnomAD compares: Non-Finnish European, 94%; 335,049 homozygotes.

Submissions (4):

Genome-Nilou Lab
Classification: Benign for Spinal muscular atrophy-progressive myoclonic epilepsy syndrome. Last evaluated: 2021-07-14. Review status: criteria provided, single submitter. Criteria: ACMG Guidelines, 2015. Collection method: clinical testing. Allele origin: germline. Affected: no.

Genome-Nilou Lab
Classification: Benign for Farber lipogranulomatosis. Last evaluated: 2021-07-14. Review status: criteria provided, single submitter. Criteria: ACMG Guidelines, 2015. Collection method: clinical testing. Allele origin: germline. Affected: no.

GeneDx
Classification: Benign. Last evaluated: 2018-06-19. Review status: criteria provided, single submitter. Criteria: GeneDx Variant Classification (06012015). Collection method: clinical testing. Allele origin: germline. Affected: yes.
Comment: This variant is considered likely benign or benign based on one or more of the following criteria: it is a conservative change, it occurs at a poorly conserved position in the protein, it is predicted to be benign by multiple in silico algorithms, and/or has population frequency not consistent with disease.

Breakthrough Genomics
Classification: Benign. Review status: criteria provided, single submitter. Criteria: ACMG Guidelines, 2015. Collection method: not provided. Allele origin: germline. Inheritance: Autosomal recessive inheritance. Affected: yes.

NM_177924.5(ASAH1):c.1098+120T>G

Gene: ASAH1 (N-acylsphingosine amidohydrolase 1; minus strand). Cytogenetic location: 8p22.
Variant type: single nucleotide variant.
Coding change: c.1098+120T>G on transcript NM_177924.5 (MANE Select); 120 bases into the intron after coding-DNA position 1098, T replaced by G.
Molecular consequence: intron variant.
Genome position (GRCh38, 1-based): chr8:18,058,715, A>C on the plus strand (T>G on the coding strand, the complement: ASAH1 is on the minus strand). VCF-style: chr8-18058715-A-C. GRCh37 (hg19) VCF-style: chr8-17916224-A-C.
Other names: c.1146+120T>G (NM_004315.6); c.1080+120T>G (NM_001127505.3); c.903+120T>G (NM_001363743.2).
Identifiers: ClinVar variation 678049 (VCV000678049.5), dbSNP rs420610, ClinGen allele CA15557604.
Genomic context (GRCh38, chr8:18,058,715, plus strand): 5'-ATTTCTTTCTTGTATTCCAAAATACAGTTTTAGCCACACAAAAACATTTTTTAATAAAAA[A>C]TCAGTCCTAAGCTGAACACACCTTTTGTGCTCAAACTGATCAAAGATAACAGAGAAAGAT-3'